The following is an entry in ClinVar:

NM_024675.4(PALB2):c.367G>A (p.Asp123Asn)

Gene: PALB2 (partner and localizer of BRCA2; minus strand). Cytogenetic location: 16p12.2.
Variant type: single nucleotide variant.
Coding change: c.367G>A on transcript NM_024675.4 (MANE Select); coding-DNA position 367, G replaced by A.
Protein change: p.Asp123Asn; replaces aspartic acid 123 with asparagine.
Molecular consequence: missense variant.
Genome position (GRCh38, 1-based): chr16:23,636,179, C>T on the plus strand (G>A on the coding strand, the complement: PALB2 is on the minus strand). VCF-style: chr16-23636179-C-T. GRCh37 (hg19) VCF-style: chr16-23647500-C-T.
Other names: short protein forms D123N.
Identifiers: ClinVar variation 830101 (VCV000830101.1), dbSNP rs1967051717, ClinGen allele CA395137554.
Genomic context (GRCh38, chr16:23,636,179, plus strand): 5'-GCTTCTGCTTTTGCTCACCACTAGGGTCACTGACCCTGTGGGGAAAATGTTCTTGGGTGT[C>T]ATCTGTTCTTTGTATAGGTAATCCTCCTGGGCCATCTCCAGGGTTAAAGGACTCAGGCCC-3'
Protein context (NP_078951.2, residues 113-133): PGGLPIQRTD[Asp123Asn]TQEHFPHRVS

ClinVar aggregate classification (germline): Uncertain significance (0 of 4 stars; one submission).

Submission:

Leiden Open Variation Database
Classification: Uncertain significance. Last evaluated: 2018-10-10. Review status: no assertion criteria provided. Collection method: curation. Allele origin: germline. Affected: yes.
Comment: Curators: Marc Tischkowitz, Arleen D. Auerbach. Submitter to LOVD: Yukihide Momozawa.

Literature cited by the submitters: PubMed 30287823.